The following is an entry in ClinVar:

NM_000158.4(GBE1):c.720_721insTGTCTCTTATACACATCTG (p.Met241fs)

Gene: GBE1 (1,4-alpha-glucan branching enzyme 1; minus strand). Cytogenetic location: 3p12.2.
Variant type: Insertion.
Coding change: c.720_721insTGTCTCTTATACACATCTG on transcript NM_000158.4 (MANE Select); coding-DNA positions 720 to 721, TGTCTCTTATACACATCTG inserted.
Protein change: p.Met241fs; shifts the reading frame from methionine 241.
Molecular consequence: frameshift variant.
Genome position: GRCh38 VCF-style: chr3-81646453-T-TCAGATGTGTATAAGAGACA. GRCh37 (hg19) VCF-style: chr3-81695604-T-TCAGATGTGTATAAGAGACA.
Other names: short protein forms M241fs.
Identifiers: ClinVar variation 5010886 (VCV005010886.1).

ClinVar aggregate classification (germline): Pathogenic (1 of 4 stars; one submission).

Conditions:
Glycogen storage disease, type IV (GSD4). Also called: AMYLOPECTINOSIS; ANDERSEN DISEASE; BRANCHER DEFICIENCY; CIRRHOSIS, FAMILIAL, WITH DEPOSITION OF ABNORMAL GLYCOGEN; GBE1 DEFICIENCY; GLYCOGEN BRANCHING ENZYME DEFICIENCY. Identifiers: Orphanet 367, MedGen C0017923, MONDO:0009292, OMIM 232500.

Submission:

Myriad Genetics, Inc.
Classification: Pathogenic for Glycogen storage disease, type IV. Last evaluated: 2024-05-14. Review status: criteria provided, single submitter. Criteria: Myriad Autosomal Dominant, Autosomal Recessive and X-Linked Classification Criteria (2023). Collection method: clinical testing. Allele origin: unknown.
Comment: NM_000158.3(GBE1):c.720_721ins19(M241Cfs*33) is expected to be pathogenic in the context of glycogen storage disease, GBE1-related. This variant is predicted to lead to an abnormal or absent protein product due to the creation of a premature termination codon in GBE1, a gene where loss-of-function variants are known to be pathogenic. Please note: this variant was assessed in the context of healthy population screening.